The following is an entry in ClinVar:

ClinVar aggregate classification (germline): Uncertain significance (1 of 4 stars; one submission).

Conditions:
Wilms tumor 1 (WT1). Also called: Wilms tumor, somatic. Identifiers: Orphanet 654, MedGen CN033288, MONDO:0008679, OMIM 194070.

Submission:

Labcorp Genetics (formerly Invitae), Labcorp
Classification: Uncertain significance for Wilms tumor 1. Last evaluated: 2023-11-02. Review status: criteria provided, single submitter. Criteria: Invitae Variant Classification Sherloc (09022015). Collection method: clinical testing. Allele origin: germline.
Comment: This sequence change replaces methionine, which is neutral and non-polar, with threonine, which is neutral and polar, at codon 129 of the GPC3 protein (p.Met129Thr). This variant is not present in population databases (gnomAD no frequency). This variant has not been reported in the literature in individuals affected with GPC3-related conditions. Advanced modeling of protein sequence and biophysical properties (such as structural, functional, and spatial information, amino acid conservation, physicochemical variation, residue mobility, and thermodynamic stability) has been performed at Invitae for this missense variant, however the output from this modeling did not meet the statistical confidence thresholds required to predict the impact of this variant on GPC3 protein function. In summary, the available evidence is currently insufficient to determine the role of this variant in disease. Therefore, it has been classified as a Variant of Uncertain Significance.

NM_004484.4(GPC3):c.386T>C (p.Met129Thr)

Gene: GPC3 (glypican 3; minus strand). Cytogenetic location: Xq26.2.
Variant type: single nucleotide variant.
Coding change: c.386T>C on transcript NM_004484.4 (MANE Select); coding-DNA position 386, T replaced by C.
Protein change: p.Met129Thr; replaces methionine 129 with threonine.
Molecular consequence: missense variant.
Genome position (GRCh38, 1-based): chrX:133,754,128, A>G on the plus strand (T>C on the coding strand, the complement: GPC3 is on the minus strand). VCF-style: chrX-133754128-A-G. GRCh37 (hg19) VCF-style: chrX-132888155-A-G.
Other names: c.386T>C, p.Met129Thr (NM_001164617.2); c.338T>C, p.Met113Thr (NM_001164618.2); c.224T>C, p.Met75Thr (NM_001164619.2); short protein forms M113T, M129T, M75T.
Identifiers: ClinVar variation 2893558 (VCV002893558.3), dbSNP rs2521358642, ClinGen allele CA414706756.